The following is an entry in ClinVar:

NM_004304.5(ALK):c.2064T>G (p.Cys688Trp)

Gene: ALK (ALK receptor tyrosine kinase; minus strand). Cytogenetic location: 2p23.2.
Variant type: single nucleotide variant.
Coding change: c.2064T>G on transcript NM_004304.5 (MANE Select); coding-DNA position 2064, T replaced by G.
Protein change: p.Cys688Trp; replaces cysteine 688 with tryptophan.
Molecular consequence: missense variant.
Genome position (GRCh38, 1-based): chr2:29,251,245, A>C on the plus strand (T>G on the coding strand, the complement: ALK is on the minus strand). VCF-style: chr2-29251245-A-C. GRCh37 (hg19) VCF-style: chr2-29474111-A-C.
Other names: short protein forms C688W.
Identifiers: ClinVar variation 3855952 (VCV003855952.1).

ClinVar aggregate classification (germline): Uncertain significance (1 of 4 stars; one submission).

Conditions:
Hereditary cancer-predisposing syndrome. Also called: Hereditary neoplastic syndrome; Neoplastic Syndromes, Hereditary; Tumor predisposition; Hereditary Cancer Syndrome. Identifiers: Orphanet 140162, MedGen C0027672, MeSH D009386, MONDO:0015356.

Submission:

Ambry Genetics
Classification: Uncertain significance for Hereditary cancer-predisposing syndrome. Last evaluated: 2025-02-28. Review status: criteria provided, single submitter. Criteria: Ambry Variant Classification Scheme 2023. Collection method: clinical testing. Allele origin: germline.
Comment: The p.C688W variant (also known as c.2064T>G), located in coding exon 12 of the ALK gene, results from a T to G substitution at nucleotide position 2064. The cysteine at codon 688 is replaced by tryptophan, an amino acid with highly dissimilar properties. This amino acid position is conserved. In addition, this alteration is predicted to be deleterious by in silico analysis. Based on the available evidence, the clinical significance of this variant remains unclear.